The following is an entry in ClinVar:

NM_144997.7(FLCN):c.1043C>A (p.Ser348Tyr)

Gene: FLCN (folliculin; minus strand). Cytogenetic location: 17p11.2.
Variant type: single nucleotide variant.
Coding change: c.1043C>A on transcript NM_144997.7 (MANE Select); coding-DNA position 1043, C replaced by A.
Protein change: p.Ser348Tyr; replaces serine 348 with tyrosine.
Molecular consequence: missense variant.
Genome position (GRCh38, 1-based): chr17:17,219,038, G>T on the plus strand (C>A on the coding strand, the complement: FLCN is on the minus strand). VCF-style: chr17-17219038-G-T. GRCh37 (hg19) VCF-style: chr17-17122352-G-T.
Other names: c.1043C>A (NM_144997.5); c.1097C>A, p.Ser366Tyr (NM_001353229.2); c.1043C>A, p.Ser348Tyr (NM_001353230.2, NM_001353231.2); short protein forms S366Y, S348Y.
Identifiers: ClinVar variation 1380165 (VCV001380165.10), dbSNP rs2047006873, ClinGen allele CA398532667.

ClinVar aggregate classification (germline): Uncertain significance. Review status: criteria provided, multiple submitters, no conflicts (2 of 4 stars). 3 submissions from 3 submitters: Uncertain significance (3). Last evaluated 2025-11-23.

Conditions:
Birt-Hogg-Dube syndrome. Also called: Birt Hogg Dubé syndrome. Identifiers: Orphanet 122, MedGen C0346010, MONDO:0800444.
Hereditary cancer-predisposing syndrome. Also called: Tumor predisposition; Hereditary neoplastic syndrome; Neoplastic Syndromes, Hereditary; Hereditary Cancer Syndrome. Identifiers: Orphanet 140162, MedGen C0027672, MeSH D009386, MONDO:0015356.

Allele frequency attached by ClinVar (database versions not stated): gnomAD exomes below 0.00001.

Submissions (3):

Labcorp Genetics (formerly Invitae), Labcorp
Classification: Uncertain significance for Birt-Hogg-Dube syndrome. Last evaluated: 2025-11-23. Review status: criteria provided, single submitter. Criteria: Invitae Variant Classification Sherloc (09022015). Collection method: clinical testing. Allele origin: germline.
Comment: This sequence change replaces serine, which is neutral and polar, with tyrosine, which is neutral and polar, at codon 348 of the FLCN protein (p.Ser348Tyr). This variant is not present in population databases (gnomAD no frequency). This variant has not been reported in the literature in individuals affected with FLCN-related conditions. ClinVar contains an entry for this variant (Variation ID: 1380165). Invitae Evidence Modeling of protein sequence and biophysical properties (such as structural, functional, and spatial information, amino acid conservation, physicochemical variation, residue mobility, and thermodynamic stability) has been performed for this missense variant. However, the output from this modeling did not meet the statistical confidence thresholds required to predict the impact of this variant on FLCN protein function. In summary, the available evidence is currently insufficient to determine the role of this variant in disease. Therefore, it has been classified as a Variant of Uncertain Significance.

GeneDx
Classification: Uncertain significance. Last evaluated: 2023-11-15. Review status: criteria provided, single submitter. Criteria: GeneDx Variant Classification Process June 2021. Collection method: clinical testing. Allele origin: germline. Affected: yes.
Comment: Not observed at significant frequency in large population cohorts (gnomAD); In silico analysis supports that this missense variant has a deleterious effect on protein structure/function; Has not been previously published as pathogenic or benign to our knowledge; This variant is associated with the following publications: (PMID: 17028174)

Ambry Genetics
Classification: Uncertain significance for Hereditary cancer-predisposing syndrome. Last evaluated: 2023-10-27. Review status: criteria provided, single submitter. Criteria: Ambry Variant Classification Scheme 2023. Collection method: clinical testing. Allele origin: germline.
Comment: The p.S348Y variant (also known as c.1043C>A), located in coding exon 6 of the FLCN gene, results from a C to A substitution at nucleotide position 1043. The serine at codon 348 is replaced by tyrosine, an amino acid with dissimilar properties. This amino acid position is conserved. In addition, this alteration is predicted to be deleterious by in silico analysis. Since supporting evidence is limited at this time, the clinical significance of this alteration remains unclear.